The following is an entry in ClinVar:

ClinVar aggregate classification (germline): Uncertain significance (1 of 4 stars; one submission).

Conditions:
Bardet-Biedl syndrome (BBS). Identifiers: Orphanet 110, MedGen C0752166, MONDO:0015229.

Submission:

Labcorp Genetics (formerly Invitae), Labcorp
Classification: Uncertain significance for Bardet-Biedl syndrome. Last evaluated: 2022-09-07. Review status: criteria provided, single submitter. Criteria: Invitae Variant Classification Sherloc (09022015). Collection method: clinical testing. Allele origin: germline.
Comment: ClinVar contains an entry for this variant (Variation ID: 1443997). This variant has not been reported in the literature in individuals affected with TTC8-related conditions. This variant is not present in population databases (gnomAD no frequency). This sequence change replaces tyrosine, which is neutral and polar, with phenylalanine, which is neutral and non-polar, at codon 348 of the TTC8 protein (p.Tyr348Phe). Algorithms developed to predict the effect of missense changes on protein structure and function (SIFT, PolyPhen-2, Align-GVGD) all suggest that this variant is likely to be tolerated. In summary, the available evidence is currently insufficient to determine the role of this variant in disease. Therefore, it has been classified as a Variant of Uncertain Significance.

NM_144596.4(TTC8):c.1073A>T (p.Tyr358Phe)

Gene: TTC8 (tetratricopeptide repeat domain 8; plus strand). Cytogenetic location: 14q31.3.
Variant type: single nucleotide variant.
Coding change: c.1073A>T on transcript NM_144596.4 (MANE Select); coding-DNA position 1073, A replaced by T.
Protein change: p.Tyr358Phe; replaces tyrosine 358 with phenylalanine.
Molecular consequence: missense variant. On other transcripts: non-coding transcript variant (1).
Genome position (GRCh38, 1-based): chr14:88,871,572, A>T. VCF-style: chr14-88871572-A-T. GRCh37 (hg19) VCF-style: chr14-89337916-A-T.
Other names: c.1121A>T, p.Tyr374Phe (NM_001288781.1); c.479A>T, p.Tyr160Phe (NM_001288782.1); c.356A>T, p.Tyr119Phe (NM_001288783.1); c.1043A>T, p.Tyr348Phe (NM_001366535.2, NM_198309.3); c.953A>T, p.Tyr318Phe (NM_001366536.2, NM_198310.3); short protein forms Y348F, Y318F, Y358F, Y119F, Y160F, Y374F.
Identifiers: ClinVar variation 1443997 (VCV001443997.6), dbSNP rs951491897, ClinGen allele CA390550637.